The following is an entry in ClinVar:

ClinVar aggregate classification (germline): Uncertain significance (1 of 4 stars; one submission).

Conditions:
Hereditary cancer-predisposing syndrome. Also called: Neoplastic Syndromes, Hereditary; Tumor predisposition; Hereditary neoplastic syndrome; Hereditary Cancer Syndrome. Identifiers: Orphanet 140162, MedGen C0027672, MeSH D009386, MONDO:0015356.

Submission:

Ambry Genetics
Classification: Uncertain significance for Hereditary cancer-predisposing syndrome. Last evaluated: 2026-07-15. Review status: criteria provided, single submitter. Criteria: Ambry Variant Classification Scheme 2023. Collection method: clinical testing. Allele origin: germline.
Comment: The p.L2427V variant (also known as c.7279C>G), located in coding exon 48 of the ATM gene, results from a C to G substitution at nucleotide position 7279. The leucine at codon 2427 is replaced by valine, an amino acid with highly similar properties. In an assay testing ATM function, this variant showed a functionally abnormal result (Lee KS et al. Cell, 2025 Sep;188:5081-5099.e27). This amino acid position is not well conserved in available vertebrate species. In addition, this alteration is predicted to be tolerated by in silico analysis. Based on the available evidence, the clinical significance of this variant remains unclear.

Literature cited by the submitters: PubMed 40580951.

NM_000051.4(ATM):c.7279C>G (p.Leu2427Val)

Genes: ATM (ATM serine/threonine kinase; plus strand), C11orf65 (chromosome 11 open reading frame 65; minus strand). Cytogenetic location: 11q22.3.
Variant type: single nucleotide variant.
Coding change: c.7279C>G on transcript NM_000051.4 (MANE Select); coding-DNA position 7279, C replaced by G.
Protein change: p.Leu2427Val; replaces leucine 2427 with valine.
Molecular consequence: missense variant. On other transcripts: intron variant (2).
Genome position (GRCh38, 1-based): chr11:108,329,210, C>G. VCF-style: chr11-108329210-C-G. GRCh37 (hg19) VCF-style: chr11-108199937-C-G.
Other names: c.7279C>G, p.Leu2427Val (NM_001351834.2); c.641-20139G>C (NM_001330368.2); c.*38+6010G>C (NM_001351110.2); short protein forms L2427V.
Identifiers: ClinVar variation 5031496 (VCV005031496.1).